The following is an entry in ClinVar:

ClinVar aggregate classification (germline): Uncertain significance. Review status: criteria provided, multiple submitters, no conflicts (2 of 4 stars). 3 submissions from 3 submitters: Uncertain significance (3). Last evaluated 2022-08-25.

Conditions:
Primary ciliary dyskinesia. Also called: Ciliary dyskinesia. Identifiers: Orphanet 244, MedGen C0008780, MONDO:0016575, HP:0012265.

Submissions (3):

Blueprint Genetics
Classification: Uncertain significance. Last evaluated: 2022-08-25. Review status: criteria provided, single submitter. Criteria: ACMG Guidelines, 2015. Collection method: clinical testing. Allele origin: germline.

Labcorp Genetics (formerly Invitae), Labcorp
Classification: Uncertain significance for Primary ciliary dyskinesia. Last evaluated: 2022-07-29. Review status: criteria provided, single submitter. Criteria: Invitae Variant Classification Sherloc (09022015). Collection method: clinical testing. Allele origin: germline.
Comment: This variant is not present in population databases (gnomAD no frequency). In summary, the available evidence is currently insufficient to determine the role of this variant in disease. Therefore, it has been classified as a Variant of Uncertain Significance. Variants that disrupt the consensus splice site are a relatively common cause of aberrant splicing (PMID: 17576681, 9536098). Algorithms developed to predict the effect of sequence changes on RNA splicing suggest that this variant may disrupt the consensus splice site. ClinVar contains an entry for this variant (Variation ID: 1316370). This variant has not been reported in the literature in individuals affected with RPGR-related conditions. This sequence change falls in intron 12 of the RPGR gene. It does not directly change the encoded amino acid sequence of the RPGR protein. It affects a nucleotide within the consensus splice site.

GeneDx
Classification: Uncertain significance. Last evaluated: 2019-10-30. Review status: criteria provided, single submitter. Criteria: GeneDx Variant Classification Process June 2021. Collection method: clinical testing. Allele origin: germline. Affected: yes.
Comment: Not observed in large population cohorts (Lek et al., 2016); In silico analysis, which includes splice predictors and evolutionary conservation, supports a deleterious effect; Has not been previously published as pathogenic or benign to our knowledge

Literature cited by the submitters: PubMed 17576681 (cited by Labcorp Genetics (formerly Invitae), Labcorp); PubMed 9536098 (cited by Labcorp Genetics (formerly Invitae), Labcorp).

NM_001034853.2(RPGR):c.1506+3A>G

Gene: RPGR (retinitis pigmentosa GTPase regulator; minus strand). Cytogenetic location: Xp11.4.
Variant type: single nucleotide variant.
Coding change: c.1506+3A>G on transcript NM_001034853.2 (MANE Select); 3 bases into the intron after coding-DNA position 1506, A replaced by G.
Molecular consequence: intron variant.
Genome position (GRCh38, 1-based): chrX:38,291,390, T>C on the plus strand (A>G on the coding strand, the complement: RPGR is on the minus strand). VCF-style: chrX-38291390-T-C. GRCh37 (hg19) VCF-style: chrX-38150643-T-C.
Other names: c.1503+3A>G (NM_001367249.1, NM_001367250.1, NM_001367245.1); c.1320+3A>G (NM_001367251.1, NM_001367246.1); c.1506+3A>G (NM_001367247.1, NM_000328.3); c.1536+3A>G (NM_001367248.1).
Identifiers: ClinVar variation 1316370 (VCV001316370.8), dbSNP rs2147212763, ClinGen allele CA2573055299.